The following is an entry in ClinVar:

ClinVar aggregate classification (germline): Uncertain significance (1 of 4 stars; one submission).

Conditions:
Cardiomyopathy (CMYO). Also called: Cardiomyopathies. Identifiers: Orphanet 167848, MedGen C0878544, MONDO:0004994, HP:0001638. Inheritance: Various modes of inheritance.

Submission:

All of Us Research Program, National Institutes of Health
Classification: Uncertain significance for Cardiomyopathy. Last evaluated: 2024-03-24. Review status: criteria provided, single submitter. Criteria: ACMG Guidelines, 2015. Collection method: clinical testing. Allele origin: germline. Inheritance: Autosomal dominant inheritance. Observed: 1 variant allele, 1 heterozygote.
Comment: This variant causes a T to G nucleotide substitution at the -12 position of intron 14 of the MYH7 gene. Splice site prediction tools predict that this variant may have a significant impact on RNA splicing. To our knowledge, RNA studies have not been reported for this variant. This variant has not been reported in individuals affected with MYH7-related disorders in the literature. This variant has not been identified in the general population by the Genome Aggregation Database (gnomAD). The available evidence is insufficient to determine the role of this variant in disease conclusively. Therefore, this variant is classified as a Variant of Uncertain Significance.

This study involves interpretation of variants in research participants for the purpose of population health screening. Participant phenotype was not available at the time of variant classification. Additional details can be found in publication PMID: 35346344, PMCID: PMC8962531

NM_000257.4(MYH7):c.1408-12T>G

Gene: MYH7 (myosin heavy chain 7; minus strand). Cytogenetic location: 14q11.2.
Variant type: single nucleotide variant.
Coding change: c.1408-12T>G on transcript NM_000257.4 (MANE Select); 12 bases into the intron before coding-DNA position 1408, T replaced by G.
Molecular consequence: intron variant.
Genome position (GRCh38, 1-based): chr14:23,428,682, A>C on the plus strand (T>G on the coding strand, the complement: MYH7 is on the minus strand). VCF-style: chr14-23428682-A-C. GRCh37 (hg19) VCF-style: chr14-23897891-A-C.
Other names: c.1408-12T>G (NM_001407004.1).
Identifiers: ClinVar variation 3387351 (VCV003387351.1).